The following is an entry in ClinVar:

ClinVar aggregate classification (germline): Uncertain significance (1 of 4 stars; one submission).

Conditions:
Dilated cardiomyopathy 1G (CMD1G). Identifiers: Orphanet 154, MedGen C1858763, MONDO:0011400, OMIM 604145.
Autosomal recessive limb-girdle muscular dystrophy type 2J (LGMDR10). Also called: Limb-girdle muscular dystrophy, type 2J; MUSCULAR DYSTROPHY, LIMB-GIRDLE, AUTOSOMAL RECESSIVE 10. Identifiers: Orphanet 140922, MedGen C1837342, MONDO:0012127, OMIM 608807.

gnomAD v4.1: 7 of 1,614,044 alleles (0.00043%); highest among the groups gnomAD compares: Non-Finnish European, 0.00059%; no homozygotes.

Submission:

Labcorp Genetics (formerly Invitae), Labcorp
Classification: Uncertain significance for Dilated cardiomyopathy 1G; Autosomal recessive limb-girdle muscular dystrophy type 2J. Last evaluated: 2024-05-20. Review status: criteria provided, single submitter. Criteria: Invitae Variant Classification Sherloc (09022015). Collection method: clinical testing. Allele origin: germline.
Comment: This sequence change replaces glutamic acid, which is acidic and polar, with aspartic acid, which is acidic and polar, at codon 35097 of the TTN protein (p.Glu35097Asp). This variant is present in population databases (rs767161411, gnomAD 0.0009%). This variant has not been reported in the literature in individuals affected with TTN-related conditions. ClinVar contains an entry for this variant (Variation ID: 2197462). Experimental studies and prediction algorithms are not available or were not evaluated, and the functional significance of this variant is currently unknown. This variant is located in the M band of TTN (PMID: 25589632). Non-truncating variants in this region may be relevant for neuromuscular disorders, but have not been definitively shown to cause cardiomyopathy (PMID: 23975875). In summary, the available evidence is currently insufficient to determine the role of this variant in disease. Therefore, it has been classified as a Variant of Uncertain Significance.

Literature cited by the submitters: PubMed 25589632; PubMed 23975875.

NM_001267550.2(TTN):c.105291A>T (p.Glu35097Asp)

Genes: TTN-AS1 (TTN antisense RNA 1; plus strand), TTN (titin; minus strand). Cytogenetic location: 2q31.2.
Variant type: single nucleotide variant.
Coding change: c.105291A>T on transcript NM_001267550.2 (MANE Select); coding-DNA position 105291, A replaced by T.
Protein change: p.Glu35097Asp; replaces glutamic acid 35097 with aspartic acid.
Molecular consequence: missense variant.
Genome position (GRCh38, 1-based): chr2:178,531,324, T>A on the plus strand (A>T on the coding strand, the complement: TTN is on the minus strand). VCF-style: chr2-178531324-T-A. GRCh37 (hg19) VCF-style: chr2-179396051-T-A.
Other names: c.100368A>T, p.Glu33456Asp (NM_001256850.1); c.78096A>T, p.Glu26032Asp (NM_003319.4); c.97587A>T, p.Glu32529Asp (NM_133378.4); c.78471A>T, p.Glu26157Asp (NM_133432.3); c.78672A>T, p.Glu26224Asp (NM_133437.4); short protein forms E26032D, E35097D, E26224D, E32529D, E33456D, E26157D.
Identifiers: ClinVar variation 2197462 (VCV002197462.4), dbSNP rs767161411, ClinGen allele CA1985282.